The following is an entry in ClinVar:

NM_019892.6(INPP5E):c.1800C>G (p.Asp600Glu)

Gene: INPP5E (inositol polyphosphate-5-phosphatase E; minus strand). Cytogenetic location: 9q34.3.
Variant type: single nucleotide variant.
Coding change: c.1800C>G on transcript NM_019892.6 (MANE Select); coding-DNA position 1800, C replaced by G.
Protein change: p.Asp600Glu; replaces aspartic acid 600 with glutamic acid.
Molecular consequence: missense variant.
Genome position (GRCh38, 1-based): chr9:136,430,279, G>C on the plus strand (C>G on the coding strand, the complement: INPP5E is on the minus strand). VCF-style: chr9-136430279-G-C. GRCh37 (hg19) VCF-style: chr9-139324731-G-C.
Other names: c.1797C>G, p.Asp599Glu (NM_001318502.2); short protein forms D599E, D600E.
Identifiers: ClinVar variation 1065695 (VCV001065695.1), dbSNP rs1158332419, ClinGen allele CA375561086.

ClinVar aggregate classification (germline): Uncertain significance (1 of 4 stars; one submission).

Conditions:
Rod-cone dystrophy. Identifiers: MedGen C4551714, HP:0000510.

Submission:

Ocular Genomics Institute, Massachusetts Eye and Ear
Classification: Uncertain significance for Rod-cone dystrophy. Last evaluated: 2021-04-08. Review status: criteria provided, single submitter. Criteria: ACMG Guidelines, 2015. Collection method: research. Allele origin: germline. Affected: yes.
Comment: Through a review of available evidence we were able to apply the following criteria: PM1, PM2, PP3. Based on this evidence we have classified this variant as Variant of Uncertain Significance.